The following is an entry in ClinVar:

ClinVar aggregate classification (germline): Uncertain significance (1 of 4 stars; one submission).

Conditions:
Hereditary cancer-predisposing syndrome. Also called: Neoplastic Syndromes, Hereditary; Tumor predisposition; Hereditary neoplastic syndrome; Hereditary Cancer Syndrome. Identifiers: Orphanet 140162, MedGen C0027672, MeSH D009386, MONDO:0015356.

Submission:

Ambry Genetics
Classification: Uncertain significance for Hereditary cancer-predisposing syndrome. Last evaluated: 2026-07-02. Review status: criteria provided, single submitter. Criteria: Ambry Variant Classification Scheme 2023. Collection method: clinical testing. Allele origin: germline.
Comment: The p.L172H variant (also known as c.515T>A), located in coding exon 4 of the APC gene, results from a T to A substitution at nucleotide position 515. The leucine at codon 172 is replaced by histidine, an amino acid with similar properties. This amino acid position is conserved. In addition, in silico predictors for this gene do not accurately predict pathogenicity. Based on the available evidence, the clinical significance of this variant remains unclear.

NM_000038.6(APC):c.515T>A (p.Leu172His)

Gene: APC (APC regulator of Wnt signaling pathway; plus strand). Cytogenetic location: 5q22.2.
Variant type: single nucleotide variant.
Coding change: c.515T>A on transcript NM_000038.6 (MANE Select); coding-DNA position 515, T replaced by A.
Protein change: p.Leu172His; replaces leucine 172 with histidine.
Molecular consequence: missense variant. On other transcripts: 5 prime UTR variant (4), non-coding transcript variant (2).
Genome position (GRCh38, 1-based): chr5:112,775,721, T>A. VCF-style: chr5-112775721-T-A. GRCh37 (hg19) VCF-style: chr5-112111418-T-A.
Other names: c.515T>A, p.Leu172His (NM_001127510.3, NM_001354895.2, NM_001354896.2 and 16 more transcripts); c.545T>A, p.Leu182His (NM_001127511.3, NM_001354897.2, NM_001354902.2 and 1 more transcripts); c.440T>A, p.Leu147His (NM_001354898.2, NM_001354904.2, NM_001407451.1); c.338T>A, p.Leu113His (NM_001354900.2, NM_001354901.2, NM_001354905.2 and 1 more transcripts); c.-521T>A (NM_001354906.2, NM_001407470.1, NM_001407471.1 and 1 more transcripts); short protein forms L172H, L113H, L147H, L182H.
Identifiers: ClinVar variation 5024853 (VCV005024853.1).